The following is an entry in ClinVar:

NM_181882.3(PRX):c.2827G>A (p.Val943Met)

Gene: PRX (periaxin; minus strand). Cytogenetic location: 19q13.2.
Variant type: single nucleotide variant.
Coding change: c.2827G>A on transcript NM_181882.3 (MANE Select); coding-DNA position 2827, G replaced by A.
Protein change: p.Val943Met; replaces valine 943 with methionine.
Molecular consequence: missense variant. On other transcripts: 3 prime UTR variant (1).
Genome position (GRCh38, 1-based): chr19:40,395,525, C>T on the plus strand (G>A on the coding strand, the complement: PRX is on the minus strand). VCF-style: chr19-40395525-C-T. GRCh37 (hg19) VCF-style: chr19-40901432-C-T.
Other names: c.*3032G>A (NM_020956.2); short protein forms V943M.
Identifiers: ClinVar variation 1404282 (VCV001404282.8), dbSNP rs1255146621, ClinGen allele CA405895497.
Genomic context (GRCh38, chr19:40,395,525, plus strand): 5'-CAAATTTGGATACCTTCAGCTTGGTAGCTCGCCCAGCCCCCTCAGCCTCTGCCTTAGCCA[C>T]CTTTGGCCCCGAGAGTCCAAACTTAGGTAAGGAGAACTTGGAAGAGGGCTTGACTTTTGT-3'
Protein context (NP_870998.2, residues 933-953): LPKFGLSGPK[Val943Met]AKAEAEGAGR

ClinVar aggregate classification (germline): Uncertain significance (1 of 4 stars; one submission).

Conditions:
Charcot-Marie-Tooth disease type 4. Also called: Charcot-Marie-Tooth disease, type IV; Charcot-Marie-Tooth, Type 4. Identifiers: Orphanet 64749, MedGen C4082197, MONDO:0018995.

Submission:

Labcorp Genetics (formerly Invitae), Labcorp
Classification: Uncertain significance for Charcot-Marie-Tooth disease type 4. Last evaluated: 2021-06-08. Review status: criteria provided, single submitter. Criteria: Invitae Variant Classification Sherloc (09022015). Collection method: clinical testing. Allele origin: germline.
Comment: This sequence change replaces valine with methionine at codon 943 of the PRX protein (p.Val943Met). The valine residue is moderately conserved and there is a small physicochemical difference between valine and methionine. This variant is not present in population databases (ExAC no frequency). This variant has not been reported in the literature in individuals with PRX-related conditions. Algorithms developed to predict the effect of missense changes on protein structure and function output the following: SIFT: "Deleterious"; PolyPhen-2: "Possibly Damaging"; Align-GVGD: "Class C0". The methionine amino acid residue is found in multiple mammalian species, suggesting that this missense change does not adversely affect protein function. These predictions have not been confirmed by published functional studies and their clinical significance is uncertain. In summary, the available evidence is currently insufficient to determine the role of this variant in disease. Therefore, it has been classified as a Variant of Uncertain Significance.